The following is an entry in ClinVar:

ClinVar aggregate classification (germline): Uncertain significance (1 of 4 stars; one submission).

Submission:

Women's Health and Genetics/Laboratory Corporation of America, LabCorp
Classification: Uncertain significance. Last evaluated: 2025-09-22. Review status: criteria provided, single submitter. Criteria: LabCorp Variant Classification Summary - May 2015. Collection method: clinical testing. Allele origin: germline.
Comment: Variant summary: The variant involves the duplication of exons 1-9 in the IDS gene. A presumed nomenclature of c.(?_-170)_(*5759_?)dup has been designated for the purposes of this classification. This duplication includes the entire coding sequence of the gene. As exact breakpoints are unknown, it may extend beyond the annotated region of the gene, to include other flanking genes. The variant was absent in 16118 control chromosomes. The available data on variant occurrences in the general population are insufficient to allow any conclusion about variant significance. Duplications including the entire coding sequence of IDS have been reported individuals with tetralogy of Fallot and in a fetus with ultrasound abnormalities, without strong evidence for pathogenicity (Silversides_2012, Tran Mau-Them_2023). These reports do not provide unequivocal conclusions about association of the variant with Mucopolysaccharidosis Type II (Hunter Syndrome). To our knowledge, no experimental evidence demonstrating an impact on protein function has been reported. The following publications have been ascertained in the context of this evaluation (PMID: 22912587, 37035737). ClinVar contains an entry for this variant (Variation ID: 2422577). Based on the evidence outlined above, the variant was classified as uncertain significance.

Literature cited by the submitters: PubMed 22912587; PubMed 37035737.

NC_000023.10:g.(?_148558518)_(148586837_?)dup

Gene: IDS (iduronate 2-sulfatase; minus strand). Cytogenetic location: Xq28.
Variant type: Duplication.
Identifiers: ClinVar variation 3385183 (VCV003385183.2).